The following is an entry in ClinVar:

NM_001042492.3(NF1):c.1073T>A (p.Phe358Tyr)

Gene: NF1 (neurofibromin 1; plus strand). Cytogenetic location: 17q11.2.
Variant type: single nucleotide variant.
Coding change: c.1073T>A on transcript NM_001042492.3 (MANE Select); coding-DNA position 1073, T replaced by A.
Protein change: p.Phe358Tyr; replaces phenylalanine 358 with tyrosine.
Molecular consequence: missense variant.
Genome position (GRCh38, 1-based): chr17:31,201,047, T>A. VCF-style: chr17-31201047-T-A. GRCh37 (hg19) VCF-style: chr17-29528065-T-A.
Other names: c.1073T>A, p.Phe358Tyr (NM_000267.4, NM_001128147.3); short protein forms F358Y.
Identifiers: ClinVar variation 1008294 (VCV001008294.5), dbSNP rs2066518753, ClinGen allele CA398996717.

ClinVar aggregate classification (germline): Uncertain significance (1 of 4 stars; one submission).

Conditions:
Neurofibromatosis, type 1 (NF1). Also called: NEUROFIBROMATOSIS, TYPE I, SOMATIC; Peripheral type neurofibromatosis; VON RECKLINGHAUSEN DISEASE; Neurofibromatosis, type I. Identifiers: Orphanet 636, MedGen C0027831, MONDO:0018975, OMIM 162200. Disease mechanism: loss of function.

Submission:

Labcorp Genetics (formerly Invitae), Labcorp
Classification: Uncertain significance for Neurofibromatosis, type 1. Last evaluated: 2020-09-02. Review status: criteria provided, single submitter. Criteria: Invitae Variant Classification Sherloc (09022015). Collection method: clinical testing. Allele origin: germline.
Comment: In summary, the available evidence is currently insufficient to determine the role of this variant in disease. Therefore, it has been classified as a Variant of Uncertain Significance. Algorithms developed to predict the effect of missense changes on protein structure and function are either unavailable or do not agree on the potential impact of this missense change (SIFT: "Tolerated"; PolyPhen-2: "Probably Damaging"; Align-GVGD: "Class C0"). This variant has not been reported in the literature in individuals with NF1-related conditions. This variant is not present in population databases (ExAC no frequency). This sequence change replaces phenylalanine with tyrosine at codon 358 of the NF1 protein (p.Phe358Tyr). The phenylalanine residue is highly conserved and there is a small physicochemical difference between phenylalanine and tyrosine.